The following is an entry in ClinVar:

NM_003183.6(ADAM17):c.1747G>A (p.Glu583Lys)

Genes: ADAM17 (ADAM metallopeptidase domain 17; minus strand), IAH1 (isoamyl acetate hydrolyzing esterase 1 (putative); plus strand). Cytogenetic location: 2p25.1.
Variant type: single nucleotide variant.
Coding change: c.1747G>A on transcript NM_003183.6 (MANE Select); coding-DNA position 1747, G replaced by A.
Protein change: p.Glu583Lys; replaces glutamic acid 583 with lysine.
Molecular consequence: missense variant.
Genome position (GRCh38, 1-based): chr2:9,497,150, C>T on the plus strand (G>A on the coding strand, the complement: ADAM17 is on the minus strand). VCF-style: chr2-9497150-C-T. GRCh37 (hg19) VCF-style: chr2-9637279-C-T.
Other names: c.1747G>A, p.Glu583Lys (LRG_1203t1); short protein forms E583K.
Identifiers: ClinVar variation 644241 (VCV000644241.9), dbSNP rs780557617, ClinGen allele CA1523420.
Genomic context (GRCh38, chr2:9,497,150, plus strand): 5'-TGGACTGGGAATAAAACTGCTCACCATTACATGCACAGGACTCCAGCTGCTGTTCCCTCT[C>T]GCAGAAAGGGATGCATTTCCCATCCTTACACTTGCCAAGATCCAAGCAAACAGTGTCATC-3'
Protein context (NP_003174.3, residues 573-593): CKDGKCIPFC[Glu583Lys]REQQLESCAC

ClinVar aggregate classification (germline): Uncertain significance (1 of 4 stars; one submission).

Conditions:
Inflammatory skin and bowel disease, neonatal, 1. Identifiers: Orphanet 294023, MedGen C3280501, MONDO:0013693, OMIM 614328.

Allele frequency attached by ClinVar (database versions not stated): TOPMed below 0.00001; gnomAD exomes 0.00001; ExAC 0.00002.
gnomAD v4.1: 5 of 1,614,178 alleles (0.00031%); highest among the groups gnomAD compares: Admixed American, 0.0033%; no homozygotes.

Submission:

Labcorp Genetics (formerly Invitae), Labcorp
Classification: Uncertain significance for Inflammatory skin and bowel disease, neonatal, 1. Last evaluated: 2020-09-19. Review status: criteria provided, single submitter. Criteria: Invitae Variant Classification Sherloc (09022015). Collection method: clinical testing. Allele origin: germline.
Comment: This variant has not been reported in the literature in individuals with ADAM17-related disease. In summary, the available evidence is currently insufficient to determine the role of this variant in disease. Therefore, it has been classified as a Variant of Uncertain Significance. Algorithms developed to predict the effect of missense changes on protein structure and function output the following: SIFT: "Tolerated"; PolyPhen-2: "Benign"; Align-GVGD: "Class C0". The lysine amino acid residue is found in multiple mammalian species, suggesting that this missense change does not adversely affect protein function. These predictions have not been confirmed by published functional studies and their clinical significance is uncertain. This variant is present in population databases (rs780557617, ExAC 0.009%). This sequence change replaces glutamic acid with lysine at codon 583 of the ADAM17 protein (p.Glu583Lys). The glutamic acid residue is moderately conserved and there is a small physicochemical difference between glutamic acid and lysine.